The following is an entry in ClinVar:

ClinVar aggregate classification (germline): Uncertain significance (1 of 4 stars; one submission).

Conditions:
MHC class I deficiency. Identifiers: Orphanet 34592, MedGen C6024714, MONDO:0011476.

Allele frequency attached by ClinVar (database versions not stated): ExAC 0.00005; gnomAD exomes 0.00003 and 0.00002; TOPMed below 0.00001; gnomAD 0.00001; 1000 Genomes Project 30x 0.00016; 1000 Genomes Project 0.00020.
gnomAD v4.1: 32 of 1,608,140 alleles (0.002%); highest among the groups gnomAD compares: East Asian, 0.016%; no homozygotes.

Submission:

Labcorp Genetics (formerly Invitae), Labcorp
Classification: Uncertain significance for MHC class I deficiency 1. Last evaluated: 2024-02-24. Review status: criteria provided, single submitter. Criteria: Invitae Variant Classification Sherloc (09022015). Collection method: clinical testing. Allele origin: germline.
Comment: This sequence change replaces serine, which is neutral and polar, with leucine, which is neutral and non-polar, at codon 392 of the TAPBP protein (p.Ser392Leu). This variant is present in population databases (rs576739119, gnomAD 0.02%). This variant has not been reported in the literature in individuals affected with TAPBP-related conditions. ClinVar contains an entry for this variant (Variation ID: 935734). Algorithms developed to predict the effect of missense changes on protein structure and function output the following: SIFT: "Not Available"; PolyPhen-2: "Benign"; Align-GVGD: "Not Available". The leucine amino acid residue is found in multiple mammalian species, which suggests that this missense change does not adversely affect protein function. In summary, the available evidence is currently insufficient to determine the role of this variant in disease. Therefore, it has been classified as a Variant of Uncertain Significance.

NM_003190.5(TAPBP):c.1175C>T (p.Ser392Leu)

Gene: TAPBP (TAP binding protein; minus strand). Cytogenetic location: 6p21.32.
Variant type: single nucleotide variant.
Coding change: c.1175C>T on transcript NM_003190.5 (MANE Select); coding-DNA position 1175, C replaced by T.
Protein change: p.Ser392Leu; replaces serine 392 with leucine.
Molecular consequence: missense variant.
Genome position (GRCh38, 1-based): chr6:33,304,332, G>A on the plus strand (C>T on the coding strand, the complement: TAPBP is on the minus strand). VCF-style: chr6-33304332-G-A. GRCh37 (hg19) VCF-style: chr6-33272109-G-A.
Other names: c.1175C>T, p.Ser392Leu (NM_172208.3); c.914C>T, p.Ser305Leu (NM_172209.3); short protein forms S305L, S392L.
Identifiers: ClinVar variation 935734 (VCV000935734.10), dbSNP rs576739119, ClinGen allele CA3755707.